The following is an entry in ClinVar:

NM_004268.5(MED17):c.1637G>A (p.Trp546Ter)

Gene: MED17 (mediator complex subunit 17; plus strand). Cytogenetic location: 11q21.
Variant type: single nucleotide variant.
Coding change: c.1637G>A on transcript NM_004268.5 (MANE Select); coding-DNA position 1637, G replaced by A.
Protein change: p.Trp546Ter; replaces tryptophan 546 with a stop codon.
Molecular consequence: nonsense.
Genome position (GRCh38, 1-based): chr11:93,809,769, G>A. VCF-style: chr11-93809769-G-A. GRCh37 (hg19) VCF-style: chr11-93542935-G-A.
Other names: short protein forms W546*.
Identifiers: ClinVar variation 2153631 (VCV002153631.4), dbSNP rs2497555720, ClinGen allele CA382361884.
Genomic context (GRCh38, chr11:93,809,769, plus strand): 5'-ATTCACAGATGTCACAGCACCAGGTACATGCAGTTCAGCAACTCGCCAAGGTTATGGGCT[G>A]GCAAGTACTGAGCTTCAGTAATCATGTGGGACTTGGACCTATAGAGAGCATTGGTAATGC-3'

ClinVar aggregate classification (germline): Pathogenic (1 of 4 stars; one submission).

Allele frequency attached by ClinVar (database versions not stated): gnomAD exomes below 0.00001.
gnomAD v4.1: 3 of 1,614,130 alleles (0.00019%); highest among the groups gnomAD compares: Non-Finnish European, 0.00025%; no homozygotes.

Submission:

Labcorp Genetics (formerly Invitae), Labcorp
Classification: Pathogenic. Last evaluated: 2023-08-29. Review status: criteria provided, single submitter. Criteria: Invitae Variant Classification Sherloc (09022015). Collection method: clinical testing. Allele origin: germline.
Comment: For these reasons, this variant has been classified as Pathogenic. ClinVar contains an entry for this variant (Variation ID: 2153631). This variant has not been reported in the literature in individuals affected with MED17-related conditions. This variant is not present in population databases (gnomAD no frequency). This sequence change creates a premature translational stop signal (p.Trp546*) in the MED17 gene. It is expected to result in an absent or disrupted protein product. Loss-of-function variants in MED17 are known to be pathogenic (PMID: 20950787, 26004231, 30345598).

Literature cited by the submitters: PubMed 20950787; PubMed 26004231; PubMed 30345598.